The following is an entry in ClinVar:

ClinVar aggregate classification (germline): Uncertain significance (1 of 4 stars; one submission).

Conditions:
Pitt-Hopkins-like syndrome 2 (PTHSL2). Identifiers: Orphanet 221150, Orphanet 600663, MedGen C3280479, MONDO:0013690, OMIM 614325.

gnomAD v4.1: 7 of 1,471,392 alleles (0.00048%); highest among the groups gnomAD compares: Non-Finnish European, 0.00063%; no homozygotes.

Submission:

Labcorp Genetics (formerly Invitae), Labcorp
Classification: Uncertain significance for Pitt-Hopkins-like syndrome 2. Last evaluated: 2024-03-26. Review status: criteria provided, single submitter. Criteria: Invitae Variant Classification Sherloc (09022015). Collection method: clinical testing. Allele origin: germline.
Comment: This sequence change replaces leucine, which is neutral and non-polar, with proline, which is neutral and non-polar, at codon 14 of the NRXN1 protein (p.Leu14Pro). This variant is not present in population databases (gnomAD no frequency). This variant has not been reported in the literature in individuals affected with NRXN1-related conditions. An algorithm developed to predict the effect of missense changes on protein structure and function (PolyPhen-2) suggests that this variant is likely to be tolerated. In summary, the available evidence is currently insufficient to determine the role of this variant in disease. Therefore, it has been classified as a Variant of Uncertain Significance.

NM_001330078.2(NRXN1):c.41T>C (p.Leu14Pro)

Gene: NRXN1 (neurexin 1; minus strand). Cytogenetic location: 2p16.3.
Variant type: single nucleotide variant.
Coding change: c.41T>C on transcript NM_001330078.2 (MANE Select); coding-DNA position 41, T replaced by C.
Protein change: p.Leu14Pro; replaces leucine 14 with proline.
Molecular consequence: missense variant.
Genome position (GRCh38, 1-based): chr2:51,028,233, A>G on the plus strand (T>C on the coding strand, the complement: NRXN1 is on the minus strand). VCF-style: chr2-51028233-A-G. GRCh37 (hg19) VCF-style: chr2-51255371-A-G.
Other names: c.41T>C, p.Leu14Pro (NM_001135659.3, NM_001330077.2, NM_001330079.2 and 15 more transcripts); short protein forms L14P.
Identifiers: ClinVar variation 3612522 (VCV003612522.2).
Genomic context (GRCh38, chr2:51,028,233, plus strand): 5'-GGAAACTCCAGCCCGCTGCCCAGCTCCGCCCAGCAGCCCAGGAGCAGCAGCGAGAGGCAC[A>G]GAAGAAAACAGCCCCCGCGCTGGAGCAGCGCCGTCCCCATGCTCGGGGCTGGGGTGCGGC-3'
Protein context (NP_001317007.1, residues 4-24): ALLQRGGCFL[Leu14Pro]CLSLLLLGCW